The following is an entry in ClinVar:

NM_002470.4(MYH3):c.5048A>C (p.Gln1683Pro)

Gene: MYH3 (myosin heavy chain 3; minus strand). Cytogenetic location: 17p13.1.
Variant type: single nucleotide variant.
Coding change: c.5048A>C on transcript NM_002470.4 (MANE Select); coding-DNA position 5048, A replaced by C.
Protein change: p.Gln1683Pro; replaces glutamine 1683 with proline.
Molecular consequence: missense variant.
Genome position (GRCh38, 1-based): chr17:10,631,925, T>G on the plus strand (A>C on the coding strand, the complement: MYH3 is on the minus strand). VCF-style: chr17-10631925-T-G. GRCh37 (hg19) VCF-style: chr17-10535242-T-G.
Other names: short protein forms Q1683P.
Identifiers: ClinVar variation 1357951 (VCV001357951.8), dbSNP rs2142382212, ClinGen allele CA398135429.

ClinVar aggregate classification (germline): Uncertain significance (1 of 4 stars; one submission).

Allele frequency attached by ClinVar (database versions not stated): gnomAD exomes below 0.00001.
gnomAD v4.1: 1 of 1,614,140 alleles (0.000062%); highest among the groups gnomAD compares: Non-Finnish European, 0.000085%; no homozygotes.

Submission:

Labcorp Genetics (formerly Invitae), Labcorp
Classification: Uncertain significance. Last evaluated: 2021-06-06. Review status: criteria provided, single submitter. Criteria: Invitae Variant Classification Sherloc (09022015). Collection method: clinical testing. Allele origin: germline.
Comment: Algorithms developed to predict the effect of missense changes on protein structure and function are either unavailable or do not agree on the potential impact of this missense change (SIFT: "Deleterious"; PolyPhen-2: "Benign"; Align-GVGD: "Class C65"). This sequence change replaces glutamine with proline at codon 1683 of the MYH3 protein (p.Gln1683Pro). The glutamine residue is highly conserved and there is a moderate physicochemical difference between glutamine and proline. This variant is not present in population databases (ExAC no frequency). This variant has not been reported in the literature in individuals with MYH3-related conditions. In summary, the available evidence is currently insufficient to determine the role of this variant in disease. Therefore, it has been classified as a Variant of Uncertain Significance.